The following is an entry in ClinVar:

ClinVar aggregate classification (germline): Uncertain significance. Review status: criteria provided, multiple submitters, no conflicts (2 of 4 stars). 2 submissions from 2 submitters: Uncertain significance (2). Last evaluated 2023-04-17.

Conditions:
Autosomal recessive congenital ichthyosis 5 (ARCI5). Also called: ICHTHYOSIS CONGENITA III; Ichthyosis, nonlamellar and nonerythrodermic, congenital, autosomal recessive. Identifiers: Orphanet 313, MedGen C1858133, MONDO:0011485, OMIM 604777.

Allele frequency attached by ClinVar (database versions not stated): gnomAD 0.00002 and 0.00003; gnomAD exomes 0.00002 and 0.00009; TOPMed 0.00005; ExAC 0.00009; 1000 Genomes Project 30x 0.00016; 1000 Genomes Project 0.00020.
gnomAD v4.1: 34 of 1,613,098 alleles (0.0021%); highest among the groups gnomAD compares: East Asian, 0.074%; no homozygotes.

Submissions (2):

Women's Health and Genetics/Laboratory Corporation of America, LabCorp
Classification: Uncertain significance. Last evaluated: 2023-04-17. Review status: criteria provided, single submitter. Criteria: LabCorp Variant Classification Summary - May 2015. Collection method: clinical testing. Allele origin: germline.
Comment: Variant summary: CYP4F22 c.-1-1G>A is located in a canonical splice-site in the 5' UTR and is predicted to affect mRNA splicing which might alter the protein sequence due to either exon skipping, shortening, or inclusion of intronic material. Several computational tools predict a significant impact on normal splicing: four predict the variant abolishes a 3' splicing acceptor site, and three predict the variant strengthens a cryptic 3' acceptor site one nucleotide downstream of the original splice site, but still upstream from the protein coding sequence, thus it is not predicted to result in a sequence change at the protein level, if utilized for splicing. On the other hand, this variant also alters a conserved position in the Kozak consensus sequence, therefore might affect the efficiency of the initiation of protein translation (PMID: 12459250). However, these predictions have yet to be confirmed by functional studies. The variant allele was found at a frequency of 9.2e-05 in 250046 control chromosomes, predominantly at a frequency of 0.0012 within the East Asian subpopulation in the gnomAD database. The observed variant frequency within East Asian control individuals in the gnomAD database is approximately 1.7 fold of the estimated maximal expected allele frequency for a pathogenic variant in CYP4F22 causing Lamellar Ichthyosis phenotype (0.00071), suggesting that the variant might be a benign polymorphism found primarily in populations of East Asian origin. To our knowledge, no occurrence of c.-1-1G>A in individuals affected with Lamellar Ichthyosis and no experimental evidence demonstrating its impact on protein function have been reported. One ClinVar submitter (evaluation after 2014) classified the variant as uncertain significance. Based on the evidence outlined above, the variant was classified as VUS-possibly benign.

Department of Pathology and Laboratory Medicine, Sinai Health System
Classification: Uncertain significance for Autosomal recessive congenital ichthyosis 5. Last evaluated: 2022-12-08. Review status: criteria provided, single submitter. Criteria: ACMG Guidelines, 2015. Collection method: research. Allele origin: germline.

NM_173483.4(CYP4F22):c.-1-1G>A

Gene: CYP4F22 (cytochrome P450 family 4 subfamily F member 22; plus strand). Cytogenetic location: 19p13.12.
Variant type: single nucleotide variant.
Coding change: c.-1-1G>A on transcript NM_173483.4 (MANE Select); the canonical splice acceptor site of the intron before 1 bases upstream of the start codon, G replaced by A.
Molecular consequence: splice acceptor variant.
Genome position (GRCh38, 1-based): chr19:15,525,335, G>A. VCF-style: chr19-15525335-G-A. GRCh37 (hg19) VCF-style: chr19-15636146-G-A.
Identifiers: ClinVar variation 632307 (VCV000632307.6), dbSNP rs200464692, ClinGen allele CA9269430.